The following is an entry in ClinVar:

ClinVar aggregate classification (germline): Pathogenic (1 of 4 stars; one submission).

Conditions:
Charcot-Marie-Tooth disease type 4. Also called: Charcot-Marie-Tooth disease, type IV; Charcot-Marie-Tooth, Type 4. Identifiers: Orphanet 64749, MedGen C4082197, MONDO:0018995.

Submission:

Labcorp Genetics (formerly Invitae), Labcorp
Classification: Pathogenic for Charcot-Marie-Tooth disease type 4. Last evaluated: 2023-08-27. Review status: criteria provided, single submitter. Criteria: Invitae Variant Classification Sherloc (09022015). Collection method: clinical testing. Allele origin: germline.
Comment: This variant, c.3504_3518del, results in the deletion of 5 amino acid(s) of the SH3TC2 protein (p.Phe1169_Ala1173del), but otherwise preserves the integrity of the reading frame. For these reasons, this variant has been classified as Pathogenic. This variant disrupts a region of the SH3TC2 protein in which other variant(s) (p.Arg1171Cys) have been determined to be pathogenic (PMID: 23466821, 25429913, 30001926). This suggests that this is a clinically significant region of the protein, and that variants that disrupt it are likely to be disease-causing. This variant has not been reported in the literature in individuals affected with SH3TC2-related conditions. This variant is not present in population databases (gnomAD no frequency).

Literature cited by the submitters: PubMed 23466821; PubMed 25429913; PubMed 30001926.

NM_024577.4(SH3TC2):c.3504_3518del (p.Phe1169_Ala1173del)

Gene: SH3TC2 (SH3 domain and tetratricopeptide repeats 2; minus strand). Cytogenetic location: 5q32.
Variant type: Deletion.
Coding change: c.3504_3518del on transcript NM_024577.4 (MANE Select); coding-DNA positions 3504 to 3518, 15 bases deleted (CTTTCACCGCCTGGC).
Protein change: p.Phe1169_Ala1173del.
Molecular consequence: inframe deletion.
Genome position (GRCh38, 1-based): chr5:149,007,038-149,007,052, GCCAGGCGGTGAAAG deleted on the plus strand (CTTTCACCGCCTGGC on the coding strand, the reverse complement: SH3TC2 is on the minus strand); deleting any 15 consecutive bases within chr5:149,007,038-149,007,056 gives the same sequence; the c. name uses the placement nearest the transcript's 3' end. VCF-style (leftmost placement, unchanged base first): chr5-149007037-AGCCAGGCGGTGAAAG-A. GRCh37 (hg19) VCF-style: chr5-148386600-AGCCAGGCGGTGAAAG-A.
Identifiers: ClinVar variation 2980318 (VCV002980318.3), dbSNP rs2531742851, ClinGen allele CA2740094136.